The following is an entry in ClinVar:

ClinVar aggregate classification (germline): Uncertain significance. Review status: criteria provided, multiple submitters, no conflicts (2 of 4 stars). 2 submissions from 2 submitters: Uncertain significance (2). Last evaluated 2023-09-12.

Submissions (2):

Ambry Genetics
Classification: Uncertain significance. Last evaluated: 2023-09-12. Review status: criteria provided, single submitter. Criteria: Ambry Variant Classification Scheme 2023. Collection method: clinical testing. Allele origin: germline.

Labcorp Genetics (formerly Invitae), Labcorp
Classification: Uncertain significance. Last evaluated: 2021-10-29. Review status: criteria provided, single submitter. Criteria: Invitae Variant Classification Sherloc (09022015). Collection method: clinical testing. Allele origin: germline.
Comment: This sequence change replaces proline, which is neutral and non-polar, with serine, which is neutral and polar, at codon 101 of the DMRT2 protein (p.Pro101Ser). In summary, the available evidence is currently insufficient to determine the role of this variant in disease. Therefore, it has been classified as a Variant of Uncertain Significance. Algorithms developed to predict the effect of missense changes on protein structure and function (SIFT, PolyPhen-2, Align-GVGD) all suggest that this variant is likely to be tolerated. This variant has not been reported in the literature in individuals affected with DMRT2-related conditions. This variant is not present in population databases (gnomAD no frequency).

NM_181872.6(DMRT2):c.301C>T (p.Pro101Ser)

Gene: DMRT2 (doublesex and mab-3 related transcription factor 2; plus strand). Cytogenetic location: 9p24.3.
Variant type: single nucleotide variant.
Coding change: c.301C>T on transcript NM_181872.6 (MANE Select); coding-DNA position 301, C replaced by T.
Protein change: p.Pro101Ser; replaces proline 101 with serine.
Molecular consequence: missense variant. On other transcripts: 5 prime UTR variant (1), non-coding transcript variant (1).
Genome position (GRCh38, 1-based): chr9:1,051,914, C>T. VCF-style: chr9-1051914-C-T. GRCh37 (hg19) VCF-style: chr9-1051914-C-T.
Other names: c.301C>T, p.Pro101Ser (NM_001130865.3, NM_001370531.1, NM_001370533.1 and 4 more transcripts); c.-350C>T (NM_001370532.1); c.301C>T (NM_181872.4); short protein forms P101S.
Identifiers: ClinVar variation 1390204 (VCV001390204.7), dbSNP rs532694299, ClinGen allele CA187867299.